The following is an entry in ClinVar:

NM_005585.5(SMAD6):c.1363G>A (p.Ala455Thr)

Gene: SMAD6 (SMAD family member 6; plus strand). Cytogenetic location: 15q22.31.
Variant type: single nucleotide variant.
Coding change: c.1363G>A on transcript NM_005585.5 (MANE Select); coding-DNA position 1363, G replaced by A.
Protein change: p.Ala455Thr; replaces alanine 455 with threonine.
Molecular consequence: missense variant. On other transcripts: non-coding transcript variant (1).
Genome position (GRCh38, 1-based): chr15:66,781,407, G>A. VCF-style: chr15-66781407-G-A. GRCh37 (hg19) VCF-style: chr15-67073745-G-A.
Other names: short protein forms A455T.
Identifiers: ClinVar variation 2645480 (VCV002645480.27), dbSNP rs757903457, ClinGen allele CA7626804.

ClinVar aggregate classification (germline): Uncertain significance. Review status: criteria provided, multiple submitters, no conflicts (2 of 4 stars). 2 submissions from 2 submitters: Uncertain significance (2). Last evaluated 2023-09-27.

Conditions:
Aortic valve disease 2 (AOVD2). Identifiers: MedGen C3542024, MONDO:0013902, OMIM 614823.

Allele frequency attached by ClinVar (database versions not stated): ExAC 0.00001; gnomAD exomes 0.00001.
gnomAD v4.1: 7 of 1,603,484 alleles (0.00044%); highest among the groups gnomAD compares: South Asian, 0.0044%; no homozygotes.

Submissions (2):

Labcorp Genetics (formerly Invitae), Labcorp
Classification: Uncertain significance for Aortic valve disease 2. Last evaluated: 2023-09-27. Review status: criteria provided, single submitter. Criteria: Invitae Variant Classification Sherloc (09022015). Collection method: clinical testing. Allele origin: germline.
Comment: This sequence change replaces alanine, which is neutral and non-polar, with threonine, which is neutral and polar, at codon 455 of the SMAD6 protein (p.Ala455Thr). The frequency data for this variant in the population databases is considered unreliable, as metrics indicate poor data quality at this position in the gnomAD database. This variant has not been reported in the literature in individuals affected with SMAD6-related conditions. Advanced modeling of protein sequence and biophysical properties (such as structural, functional, and spatial information, amino acid conservation, physicochemical variation, residue mobility, and thermodynamic stability) performed at Invitae indicates that this missense variant is not expected to disrupt SMAD6 protein function. In summary, the available evidence is currently insufficient to determine the role of this variant in disease. Therefore, it has been classified as a Variant of Uncertain Significance.

CeGaT Center for Human Genetics Tuebingen
Classification: Uncertain significance. Last evaluated: 2023-01-01. Review status: criteria provided, single submitter. Criteria: CeGaT Center For Human Genetics Tuebingen Variant Classification Criteria Version 2. Collection method: clinical testing. Allele origin: germline. Affected: yes. Observed: 1 variant allele.